The following is an entry in ClinVar:

NM_000018.4(ACADVL):c.369C>T (p.Asp123=)

Gene: ACADVL (acyl-CoA dehydrogenase very long chain; plus strand). Cytogenetic location: 17p13.1.
Variant type: single nucleotide variant.
Coding change: c.369C>T on transcript NM_000018.4 (MANE Select); coding-DNA position 369, C replaced by T.
Protein change: p.Asp123=; no amino-acid change (aspartic acid 123 retained).
Molecular consequence: synonymous variant.
Genome position (GRCh38, 1-based): chr17:7,220,950, C>T. VCF-style: chr17-7220950-C-T. GRCh37 (hg19) VCF-style: chr17-7124269-C-T.
Other names: p.Asp123=; c.303C>T, p.Asp101= (NM_001033859.3); c.438C>T, p.Asp146= (NM_001270447.2); c.141C>T, p.Asp47= (NM_001270448.2).
Identifiers: ClinVar variation 389353 (VCV000389353.14), dbSNP rs374524648, ClinGen allele CA8337688.

ClinVar aggregate classification (germline): Likely benign. Review status: criteria provided, multiple submitters, no conflicts (2 of 4 stars). 3 submissions from 3 submitters: Likely benign (3). Last evaluated 2025-12-29.

Conditions:
Very long chain acyl-CoA dehydrogenase deficiency (ACADVLD). Also called: Very Long-Chain Acyl-Coenzyme A Dehydrogenase Deficiency; VLCAD Deficiency. Identifiers: Orphanet 26793, MedGen C3887523, MONDO:0008723, OMIM 201475.

Allele frequency attached by ClinVar (database versions not stated): ExAC 0.00002; gnomAD 0.00002 and 0.00003; TOPMed 0.00003; ESP Exome Variant Server 0.00015.
gnomAD v4.1: 81 of 1,613,996 alleles (0.005%); highest among the groups gnomAD compares: Non-Finnish European, 0.0064%; no homozygotes.

Submissions (3):

Labcorp Genetics (formerly Invitae), Labcorp
Classification: Likely benign for Very long chain acyl-CoA dehydrogenase deficiency. Last evaluated: 2025-12-29. Review status: criteria provided, single submitter. Criteria: Invitae Variant Classification Sherloc (09022015). Collection method: clinical testing. Allele origin: germline.

Mayo Clinic Laboratories, Mayo Clinic
Classification: Likely benign. Last evaluated: 2025-12-11. Review status: criteria provided, single submitter. Criteria: ACMG Guidelines, 2015. Collection method: clinical testing. Allele origin: germline. Observed: 1 variant allele.
Comment: BP4, BP7, PM2_supporting

GeneDx
Classification: Likely benign. Last evaluated: 2018-12-17. Review status: criteria provided, single submitter. Criteria: GeneDx Variant Classification Process June 2021. Collection method: clinical testing. Allele origin: germline. Affected: yes.